The following is an entry in ClinVar:

NM_145064.3(STAC3):c.468_469del (p.Tyr157fs)

Gene: STAC3 (SH3 and cysteine rich domain 3; minus strand). Cytogenetic location: 12q13.3.
Variant type: Microsatellite.
Coding change: c.468_469del on transcript NM_145064.3 (MANE Select); coding-DNA positions 468 to 469, 2 bases deleted (CT; older notation c.468_469delCT).
Protein change: p.Tyr157fs; shifts the reading frame from tyrosine 157.
Molecular consequence: frameshift variant. On other transcripts: 5 prime UTR variant (1), non-coding transcript variant (1).
Genome position (GRCh38, 1-based): chr12:57,248,162-57,248,163, AG deleted on the plus strand (CT on the coding strand, the reverse complement: STAC3 is on the minus strand); deleting any 2 consecutive bases within chr12:57,248,162-57,248,165 gives the same sequence; the c. name uses the placement nearest the transcript's 3' end. VCF-style (leftmost placement, unchanged base first): chr12-57248161-TAG-T. GRCh37 (hg19) VCF-style: chr12-57641944-TAG-T.
Other names: c.351_352del, p.Tyr118fs (NM_001286256.2); c.-93CT[1] (NM_001286257.2); short protein forms Y157fs, Y118fs.
Identifiers: ClinVar variation 2959864 (VCV002959864.3), dbSNP rs2548119843, ClinGen allele CA2575200625.

ClinVar aggregate classification (germline): Pathogenic (1 of 4 stars; one submission).

Conditions:
Bailey-Bloch congenital myopathy (CMYO13). Also called: STAC3 disorder; Congenital myopathy 13; Native American myopathy. Identifiers: Orphanet 168572, MedGen C1850625, MONDO:0009722, OMIM 255995.

Submission:

Labcorp Genetics (formerly Invitae), Labcorp
Classification: Pathogenic for Bailey-Bloch congenital myopathy. Last evaluated: 2023-01-30. Review status: criteria provided, single submitter. Criteria: Invitae Variant Classification Sherloc (09022015). Collection method: clinical testing. Allele origin: germline.
Comment: For these reasons, this variant has been classified as Pathogenic. This variant has not been reported in the literature in individuals affected with STAC3-related conditions. This variant is not present in population databases (gnomAD no frequency). This sequence change creates a premature translational stop signal (p.Tyr157Glnfs*18) in the STAC3 gene. It is expected to result in an absent or disrupted protein product. Loss-of-function variants in STAC3 are known to be pathogenic (PMID: 28411587, 28777491).

Literature cited by the submitters: PubMed 28411587; PubMed 28777491.